The following is an entry in ClinVar:

ClinVar aggregate classification (germline): Likely pathogenic (1 of 4 stars; one submission).

Conditions:
X-linked Alport syndrome (ATS1). Also called: COL4A5-Related Nephropathy; NEPHROPATHY AND DEAFNESS, X-LINKED. Identifiers: Orphanet 63, Orphanet 88917, MedGen C4746986, MONDO:0010520, OMIM 301050.

Submission:

Myriad Genetics, Inc.
Classification: Likely pathogenic for X-linked Alport syndrome. Last evaluated: 2022-03-02. Review status: criteria provided, single submitter. Criteria: Myriad Women's Health Autosomal Recessive and X-Linked Classification Criteria (2021). Collection method: clinical testing. Allele origin: unknown.
Comment: NM_000495.4(COL4A5):c.2668G>T(G890*) is expected to be pathogenic in the context of X-linked Alport syndrome. This variant is predicted to lead to an abnormal or absent protein product due to the creation of a premature termination codon in COL4A5, a gene where loss-of-function variants are known to be pathogenic. Please note: this variant was assessed in the context of healthy population screening.

NM_033380.3(COL4A5):c.2668G>T (p.Gly890Ter)

Gene: COL4A5 (collagen type IV alpha 5 chain; plus strand). Cytogenetic location: Xq22.3.
Variant type: single nucleotide variant.
Coding change: c.2668G>T on transcript NM_033380.3 (MANE Select); coding-DNA position 2668, G replaced by T.
Protein change: p.Gly890Ter; replaces glycine 890 with a stop codon.
Molecular consequence: nonsense.
Genome position (GRCh38, 1-based): chrX:108,620,417, G>T. VCF-style: chrX-108620417-G-T. GRCh37 (hg19) VCF-style: chrX-107863647-G-T.
Other names: c.2668G>T, p.Gly890Ter (NM_000495.5); short protein forms G890*.
Identifiers: ClinVar variation 1724859 (VCV001724859.2), dbSNP rs2067018186, ClinGen allele CA413851711.
Genomic context (GRCh38, chrX:108,620,417, plus strand): 5'-GCACCTGGTCCTATAGGACCTCCAGGATCACCAGGGCTTCCAGGAAAAGCAGGTGCCTCT[G>T]GATTTCCAGGTAATTTGTTTAAAGTTTTCTCTGATTTGGATTAAGGAAATTAAAACTAAT-3'